The following is an entry in ClinVar:

NM_001039591.3(USP9X):c.1618dup (p.Cys540fs)

Gene: USP9X (ubiquitin specific peptidase 9 X-linked; plus strand). Cytogenetic location: Xp11.4.
Variant type: Duplication.
Coding change: c.1618dup on transcript NM_001039591.3 (MANE Select); coding-DNA position 1618, one base duplicated (T; older notation c.1618dupT).
Protein change: p.Cys540fs; shifts the reading frame from cysteine 540.
Molecular consequence: frameshift variant.
Genome position (GRCh38, 1-based): chrX:41,148,567, T duplicated; the last of 2 consecutive T bases (chrX:41,148,566-41,148,567); duplicating either gives the same sequence. VCF-style (leftmost placement, unchanged base first): chrX-41148565-G-GT. GRCh37 (hg19) VCF-style: chrX-41007818-G-GT.
Other names: c.1618dup, p.Cys540fs (NM_001039590.3, NM_001410748.1, NM_001410749.1 and 1 more transcripts); short protein forms C540fs.
Identifiers: ClinVar variation 4795909 (VCV004795909.1).

ClinVar aggregate classification (germline): Likely pathogenic (1 of 4 stars; one submission).

Conditions:
Intellectual developmental disorder, X-linked 99. Also called: Intellectual disability, X-linked 99. Identifiers: Orphanet 777, MedGen C3806746, MONDO:0010487, OMIM 300919.

Submission:

Variantyx, Inc.
Classification: Likely pathogenic for Intellectual developmental disorder, X-linked 99. Last evaluated: 2025-10-03. Review status: criteria provided, single submitter. Criteria: Variantyx Assertion Criteria 2022. Collection method: clinical testing. Allele origin: maternal. Inheritance: X-linked dominant inheritance. Affected: yes.
Comment: This is a frameshift variant in the USP9X gene (OMIM: 300072). Pathogenic variants in this gene have been associated with X-linked intellectual developmental disorder 99. This variant introduces a premature termination codon in exon 13 out of 45 and is expected to result in loss of function, which is a known disease mechanism for USP9X in this disorder (PVS1) (PMID: 26833328). This variant is absent from control populations (PM2). Based on the current evidence, this variant is classified as likely pathogenic for X-linked intellectual developmental disorder 99.

Literature cited by the submitters: PubMed 26833328.